The following is an entry in ClinVar:

ClinVar aggregate classification (germline): Likely benign. Review status: criteria provided, multiple submitters, no conflicts (2 of 4 stars). 2 submissions from 2 submitters: Likely benign (2). Last evaluated 2026-05-26.

Conditions:
TUB-related disorder. Also called: TUB-related condition.

Allele frequency attached by ClinVar (database versions not stated): TOPMed 0.00001.

Submissions (2):

PreventionGenetics, part of Exact Sciences
Classification: Likely benign for TUB-related condition. Last evaluated: 2026-05-26. Review status: criteria provided, single submitter. Criteria: ACMG Guidelines, 2015. Collection method: clinical testing. Allele origin: germline.
Comment: This variant is classified as likely benign based on ACMG/AMP sequence variant interpretation guidelines (Richards et al. 2015 PMID: 25741868, with internal and published modifications).

Labcorp Genetics (formerly Invitae), Labcorp
Classification: Likely benign. Last evaluated: 2025-04-30. Review status: criteria provided, single submitter. Criteria: Invitae Variant Classification Sherloc (09022015). Collection method: clinical testing. Allele origin: germline.

NM_003320.5(TUB):c.105A>T (p.Ser35=)

Gene: TUB (TUB bipartite transcription factor; plus strand). Cytogenetic location: 11p15.4.
Variant type: single nucleotide variant.
Coding change: c.105A>T on transcript NM_003320.5; coding-DNA position 105, A replaced by T.
Protein change: p.Ser35=; no amino-acid change (serine 35 retained).
Molecular consequence: synonymous variant. On other transcripts: intron variant (4).
Genome position (GRCh38, 1-based): chr11:8,038,978, A>T. VCF-style: chr11-8038978-A-T. GRCh37 (hg19) VCF-style: chr11-8060525-A-T.
Other names: c.56+19620A>T (NM_001440538.1, NM_001440539.1, NM_001440540.1 and 1 more transcripts).
Identifiers: ClinVar variation 2868073 (VCV002868073.4), dbSNP rs1942693929, ClinGen allele CA473001520.
Genomic context (GRCh38, chr11:8,038,978, plus strand): 5'-TGCCGAGACAGGGATTTTGTTCCCAGGAGGCACTCCCTGGCCCATGGGATCTCAGCATTC[A>T]AAGCAGCACAGGAAACCTGGGCCCCTGAAACGGGGCCACCGAAGAGATCGGTAAGCTTTC-3'